The following is an entry in ClinVar:

NM_000059.4(BRCA2):c.9367A>G (p.Ser3123Gly)

Gene: BRCA2 (BRCA2 DNA repair associated; plus strand). Cytogenetic location: 13q13.1.
Variant type: single nucleotide variant.
Coding change: c.9367A>G on transcript NM_000059.4 (MANE Select); coding-DNA position 9367, A replaced by G.
Protein change: p.Ser3123Gly; replaces serine 3123 with glycine.
Molecular consequence: missense variant.
Genome position (GRCh38, 1-based): chr13:32,394,799, A>G. VCF-style: chr13-32394799-A-G. GRCh37 (hg19) VCF-style: chr13-32968936-A-G.
Other names: p.S3123G:AGC>GGC; short protein forms S3123G.
Identifiers: ClinVar variation 52822 (VCV000052822.18), dbSNP rs80359208, ClinGen allele CA026117.

ClinVar aggregate classification (germline): Conflicting classifications of pathogenicity. Review status: criteria provided, conflicting classifications (1 of 4 stars). 5 submissions from 5 submitters: Uncertain significance (2); Likely benign (2). 1 of the submissions does not count toward it. Last evaluated 2025-07-27.

Conditions:
Hereditary cancer-predisposing syndrome. Also called: Tumor predisposition; Neoplastic Syndromes, Hereditary; Hereditary neoplastic syndrome; Hereditary Cancer Syndrome. Identifiers: Orphanet 140162, MedGen C0027672, MeSH D009386, MONDO:0015356.
Hereditary breast ovarian cancer syndrome. Also called: Hereditary breast and ovarian cancer; BRCA1- and BRCA2-Associated Hereditary Breast and Ovarian Cancer; Hereditary breast and/or ovarian cancer syndrome; Hereditary breast and ovarian cancer syndrome; Breast and ovarian cancer; Hereditary breast and ovarian cancer syndrome (HBOC). Identifiers: Orphanet 145, MedGen C0677776, MeSH D061325, MONDO:0003582. Disease mechanism: loss of function.
Breast-ovarian cancer, familial, susceptibility to, 2 (BROVCA2). Also called: BRCA2 Hereditary Breast and Ovarian Cancer. Identifiers: Orphanet 145, MedGen C2675520, MONDO:0012933, OMIM 612555. Disease mechanism: loss of function.

Allele frequency attached by ClinVar (database versions not stated): ExAC 0.00001; gnomAD exomes 0.00001 and 0.00002.
gnomAD v4.1: 8 of 1,614,150 alleles (0.0005%); highest among the groups gnomAD compares: Non-Finnish European, 0.00068%; no homozygotes.

Submissions (5):

Labcorp Genetics (formerly Invitae), Labcorp
Classification: Uncertain significance for Hereditary breast ovarian cancer syndrome. Last evaluated: 2025-07-27. Review status: criteria provided, single submitter. Criteria: Invitae Variant Classification Sherloc (09022015). Collection method: clinical testing. Allele origin: germline.
Comment: This sequence change replaces serine, which is neutral and polar, with glycine, which is neutral and non-polar, at codon 3123 of the BRCA2 protein (p.Ser3123Gly). This variant is present in population databases (rs80359208, gnomAD 0.004%). This variant has not been reported in the literature in individuals affected with BRCA2-related conditions. ClinVar contains an entry for this variant (Variation ID: 52822). Invitae Evidence Modeling incorporating data from in vitro experimental studies (PMID: 33609447) indicates that this missense variant is not expected to disrupt BRCA2 function with a negative predictive value of 95%. Experimental studies have shown that this missense change does not substantially affect BRCA2 function (PMID: 29884841, 35736817). In summary, the available evidence is currently insufficient to determine the role of this variant in disease. Therefore, it has been classified as a Variant of Uncertain Significance.

Blueprint Genetics
Classification: Uncertain significance. Last evaluated: 2021-03-09. Review status: criteria provided, single submitter. Criteria: ACMG Guidelines, 2015. Collection method: clinical testing. Allele origin: germline.

GeneDx
Classification: Likely benign. Last evaluated: 2021-02-11. Review status: criteria provided, single submitter. Criteria: GeneDx Variant Classification Process June 2021. Collection method: clinical testing. Allele origin: germline. Affected: yes.
Comment: Not observed at a significant frequency in large population cohorts (Lek et al., 2016); In silico analysis supports that this missense variant does not alter protein structure/function; This variant is associated with the following publications: (PMID: 29394989, 32123317, 29884841)

Ambry Genetics
Classification: Likely benign for Hereditary cancer-predisposing syndrome. Last evaluated: 2020-02-07. Review status: criteria provided, single submitter. Criteria: Ambry Variant Classification Scheme 2023. Collection method: clinical testing. Allele origin: germline.

Breast Cancer Information Core (BIC) (BRCA2)
Classification: Uncertain significance for Breast-ovarian cancer, familial 2. Last evaluated: 2002-05-29. Review status: no assertion criteria provided. Collection method: clinical testing. Allele origin: germline. Affected: yes. Observed: 1 variant allele. Not counted in ClinVar's aggregate classification.

Literature cited by the submitters: PubMed 33609447 (cited by Labcorp Genetics (formerly Invitae), Labcorp); PubMed 29884841 (cited by Labcorp Genetics (formerly Invitae), Labcorp); PubMed 35736817 (cited by Labcorp Genetics (formerly Invitae), Labcorp); PubMed 29394989 (cited by Ambry Genetics).